The following is an entry in ClinVar:

ClinVar aggregate classification (germline): Uncertain significance (1 of 4 stars; one submission).

gnomAD v4.1: 3 of 1,613,930 alleles (0.00019%); highest among the groups gnomAD compares: South Asian, 0.0033%; no homozygotes.

Submission:

Ambry Genetics
Classification: Uncertain significance. Last evaluated: 2025-12-26. Review status: criteria provided, single submitter. Criteria: Ambry Variant Classification Scheme 2023. Collection method: clinical testing. Allele origin: germline.
Comment: The p.A1273V variant (also known as c.3818C>T), located in coding exon 25 of the MYOM1 gene, results from a C to T substitution at nucleotide position 3818. The alanine at codon 1273 is replaced by valine, an amino acid with similar properties. This amino acid position is conserved. In addition, this alteration is predicted to be tolerated by in silico analysis. Based on the available evidence, the clinical significance of this variant remains unclear.

NM_003803.4(MYOM1):c.3818C>T (p.Ala1273Val)

Gene: MYOM1 (myomesin 1; minus strand). Cytogenetic location: 18p11.31.
Variant type: single nucleotide variant.
Coding change: c.3818C>T on transcript NM_003803.4 (MANE Select); coding-DNA position 3818, C replaced by T.
Protein change: p.Ala1273Val; replaces alanine 1273 with valine.
Molecular consequence: missense variant.
Genome position (GRCh38, 1-based): chr18:3,094,216, G>A on the plus strand (C>T on the coding strand, the complement: MYOM1 is on the minus strand). VCF-style: chr18-3094216-G-A. GRCh37 (hg19) VCF-style: chr18-3094214-G-A.
Other names: c.3530C>T, p.Ala1177Val (NM_019856.2); short protein forms A1273V, A1177V.
Identifiers: ClinVar variation 4841426 (VCV004841426.1).